The following is an entry in ClinVar:

NM_001012759.3(CTU2):c.1127G>A (p.Arg376Gln)

Gene: CTU2 (cytosolic thiouridylase subunit 2; plus strand). Cytogenetic location: 16q24.3.
Variant type: single nucleotide variant.
Coding change: c.1127G>A on transcript NM_001012759.3 (MANE Select); coding-DNA position 1127, G replaced by A.
Protein change: p.Arg376Gln; replaces arginine 376 with glutamine.
Molecular consequence: missense variant.
Genome position (GRCh38, 1-based): chr16:88,714,412, G>A. VCF-style: chr16-88714412-G-A. GRCh37 (hg19) VCF-style: chr16-88780820-G-A.
Other names: c.1127G>A, p.Arg376Gln (NM_001012762.3); c.1340G>A, p.Arg447Gln (NM_001318507.2); c.866G>A, p.Arg289Gln (NM_001318513.2); short protein forms R376Q, R447Q, R289Q.
Identifiers: ClinVar variation 780164 (VCV000780164.35), dbSNP rs61730419, ClinGen allele CA8230855.
Genomic context (GRCh38, chr16:88,714,412, plus strand): 5'-TTCACCTGCTCCTCCCACAATCCGGCCACAGGACAAGTGAGAAGCTGGTGAAGGGCCCCC[G>A]GGATGGCCCTGCTGCTGGCGACTCCGGCCCCCGCTGCCTCCTCTGCATGTGTGCCCTGGA-3'
Protein context (NP_001012777.1, residues 366-386): RTSEKLVKGP[Arg376Gln]DGPAAGDSGP

ClinVar aggregate classification (germline): Benign/Likely benign. Review status: criteria provided, multiple submitters, no conflicts (2 of 4 stars). 4 submissions from 4 submitters: Benign (2); Likely benign (1). 1 of the submissions does not count toward it. Last evaluated 2026-09-01.

Conditions:
CTU2-related disorder. Also called: CTU2-related condition.

Allele frequency attached by ClinVar (database versions not stated): 1000 Genomes Project 0.00260; 1000 Genomes Project 30x 0.00265; TOPMed 0.00471; ESP Exome Variant Server 0.00478.

Submissions (4):

CeGaT Center for Human Genetics Tuebingen
Classification: Likely benign. Last evaluated: 2026-09-01. Review status: criteria provided, single submitter. Criteria: CeGaT Center For Human Genetics Tuebingen Variant Classification Criteria Version 2. Collection method: clinical testing. Allele origin: germline. Affected: yes. Observed: 8 variant alleles.
Comment: CTU2: BS2

Labcorp Genetics (formerly Invitae), Labcorp
Classification: Benign. Last evaluated: 2026-01-28. Review status: criteria provided, single submitter. Criteria: Invitae Variant Classification Sherloc (09022015). Collection method: clinical testing. Allele origin: germline.

Breakthrough Genomics
Classification: Benign. Review status: criteria provided, single submitter. Criteria: ACMG Guidelines, 2015. Collection method: not provided. Allele origin: germline. Inheritance: Autosomal recessive inheritance. Affected: yes.

PreventionGenetics, part of Exact Sciences
Classification: Benign for CTU2-related condition. Last evaluated: 2019-03-07. Review status: no assertion criteria provided. Collection method: clinical testing. Allele origin: germline. Not counted in ClinVar's aggregate classification.
Comment: This variant is classified as benign based on ACMG/AMP sequence variant interpretation guidelines (Richards et al. 2015 PMID: 25741868, with internal and published modifications).